The following is an entry in ClinVar:

ClinVar aggregate classification (germline): Uncertain significance (1 of 4 stars; one submission).

Conditions:
Charcot-Marie-Tooth disease type 4. Also called: Charcot-Marie-Tooth disease, type IV; Charcot-Marie-Tooth, Type 4. Identifiers: Orphanet 64749, MedGen C4082197, MONDO:0018995.

Allele frequency attached by ClinVar (database versions not stated): gnomAD 0.00001; gnomAD exomes 0.00001.
gnomAD v4.1: 18 of 1,613,972 alleles (0.0011%); highest among the groups gnomAD compares: East Asian, 0.038%; no homozygotes.

Submission:

Labcorp Genetics (formerly Invitae), Labcorp
Classification: Uncertain significance for Charcot-Marie-Tooth disease type 4. Last evaluated: 2022-02-07. Review status: criteria provided, single submitter. Criteria: Invitae Variant Classification Sherloc (09022015). Collection method: clinical testing. Allele origin: germline.
Comment: In summary, the available evidence is currently insufficient to determine the role of this variant in disease. Therefore, it has been classified as a Variant of Uncertain Significance. Algorithms developed to predict the effect of missense changes on protein structure and function (SIFT, PolyPhen-2, Align-GVGD) all suggest that this variant is likely to be disruptive. This variant has not been reported in the literature in individuals affected with SH3TC2-related conditions. This variant is not present in population databases (gnomAD no frequency). This sequence change replaces glycine, which is neutral and non-polar, with aspartic acid, which is acidic and polar, at codon 177 of the SH3TC2 protein (p.Gly177Asp).

NM_024577.4(SH3TC2):c.530G>A (p.Gly177Asp)

Gene: SH3TC2 (SH3 domain and tetratricopeptide repeats 2; minus strand). Cytogenetic location: 5q32.
Variant type: single nucleotide variant.
Coding change: c.530G>A on transcript NM_024577.4 (MANE Select); coding-DNA position 530, G replaced by A.
Protein change: p.Gly177Asp; replaces glycine 177 with aspartic acid.
Molecular consequence: missense variant.
Genome position (GRCh38, 1-based): chr5:149,041,617, C>T on the plus strand (G>A on the coding strand, the complement: SH3TC2 is on the minus strand). VCF-style: chr5-149041617-C-T. GRCh37 (hg19) VCF-style: chr5-148421180-C-T.
Other names: short protein forms G177D.
Identifiers: ClinVar variation 2157390 (VCV002157390.4), dbSNP rs1323385666, ClinGen allele CA361674827.